The following is an entry in ClinVar:

ClinVar aggregate classification (germline): Uncertain significance. Review status: criteria provided, multiple submitters, no conflicts (2 of 4 stars). 2 submissions from 2 submitters: Uncertain significance (2). Last evaluated 2025-02-22.

Allele frequency attached by ClinVar (database versions not stated): gnomAD exomes below 0.00001; ExAC 0.00001; TOPMed 0.00001.
gnomAD v4.1: 8 of 1,613,366 alleles (0.0005%); highest among the groups gnomAD compares: South Asian, 0.0033%; no homozygotes.

Submissions (2):

GeneDx
Classification: Uncertain significance. Last evaluated: 2025-02-22. Review status: criteria provided, single submitter. Criteria: GeneDx Variant Classification Process June 2021. Collection method: clinical testing. Allele origin: germline. Affected: yes.
Comment: In silico analysis supports that this missense variant has a deleterious effect on protein structure/function; This variant is associated with the following publications: (PMID: 31589614, 37561783, 38598477, 38105685, 34308104, Konika2023[Article], 37390946)

Women's Health and Genetics/Laboratory Corporation of America, LabCorp
Classification: Uncertain significance. Last evaluated: 2024-10-30. Review status: criteria provided, single submitter. Criteria: LabCorp Variant Classification Summary - May 2015. Collection method: clinical testing. Allele origin: germline.
Comment: Variant summary: TSHR c.1523C>T (p.Ser508Leu) results in a non-conservative amino acid change in the encoded protein sequence. Five of five in-silico tools predict a damaging effect of the variant on protein function. The variant allele was found at a frequency of 4e-06 in 250912 control chromosomes (gnomAD). c.1523C>T has been reported in the literature in individuals affected with Hypothyroidism Due To TSH Receptor Mutations (e.g. Zhang_2023, Begum_2023). These data indicate that the variant may be associated with disease. To our knowledge, no experimental evidence demonstrating an impact on protein function has been reported. The following publications have been ascertained in the context of this evaluation (PMID: 37390946, 38105685, 37561783).ClinVar contains an entry for this variant (Variation ID: 418666). Based on the evidence outlined above, the variant was classified as VUS-possibly pathogenic.

Literature cited by the submitters: PubMed 37390946 (cited by Women's Health and Genetics/Laboratory Corporation of America, LabCorp); PubMed 38105685 (cited by Women's Health and Genetics/Laboratory Corporation of America, LabCorp); PubMed 37561783 (cited by Women's Health and Genetics/Laboratory Corporation of America, LabCorp).

NM_000369.5(TSHR):c.1523C>T (p.Ser508Leu)

Genes: TSHR (thyroid stimulating hormone receptor; plus strand), TSHR-AS1 (TSHR antisense RNA 1; minus strand). Cytogenetic location: 14q31.1.
Variant type: single nucleotide variant.
Coding change: c.1523C>T on transcript NM_000369.5 (MANE Select); coding-DNA position 1523, C replaced by T.
Protein change: p.Ser508Leu; replaces serine 508 with leucine.
Molecular consequence: missense variant.
Genome position (GRCh38, 1-based): chr14:81,143,581, C>T. VCF-style: chr14-81143581-C-T. GRCh37 (hg19) VCF-style: chr14-81609925-C-T.
Other names: short protein forms S508L.
Identifiers: ClinVar variation 418666 (VCV000418666.4), dbSNP rs772490052, ClinGen allele CA7294468.